The following is an entry in ClinVar:

ClinVar aggregate classification (germline): Uncertain significance. Review status: criteria provided, multiple submitters, no conflicts (2 of 4 stars). 4 submissions from 4 submitters: Uncertain significance (4). Last evaluated 2025-04-21.

Conditions:
Hereditary cancer-predisposing syndrome. Also called: Neoplastic Syndromes, Hereditary; Tumor predisposition; Hereditary Cancer Syndrome; Hereditary neoplastic syndrome. Identifiers: Orphanet 140162, MedGen C0027672, MeSH D009386, MONDO:0015356.
Hereditary breast ovarian cancer syndrome. Also called: Breast and ovarian cancer; Hereditary breast and ovarian cancer; Hereditary breast and/or ovarian cancer syndrome; BRCA1- and BRCA2-Associated Hereditary Breast and Ovarian Cancer; Hereditary breast and ovarian cancer syndrome; Hereditary breast and ovarian cancer syndrome (HBOC). Identifiers: Orphanet 145, MedGen C0677776, MeSH D061325, MONDO:0003582. Disease mechanism: loss of function.

Allele frequency attached by ClinVar (database versions not stated): gnomAD exomes below 0.00001.

Submissions (4):

Ambry Genetics
Classification: Uncertain significance for Hereditary cancer-predisposing syndrome. Last evaluated: 2025-04-21. Review status: criteria provided, single submitter. Criteria: Ambry Variant Classification Scheme 2023. Collection method: clinical testing. Allele origin: germline.
Comment: The p.N112D variant (also known as c.334A>G), located in coding exon 5 of the BRCA1 gene, results from an A to G substitution at nucleotide position 334. The asparagine at codon 112 is replaced by aspartic acid, an amino acid with highly similar properties. This amino acid position is not well conserved in available vertebrate species. In addition, the in silico prediction for this alteration is inconclusive. Since supporting evidence is limited at this time, the clinical significance of this alteration remains unclear.

Labcorp Genetics (formerly Invitae), Labcorp
Classification: Uncertain significance for Hereditary breast ovarian cancer syndrome. Last evaluated: 2021-08-30. Review status: criteria provided, single submitter. Criteria: Invitae Variant Classification Sherloc (09022015). Collection method: clinical testing. Allele origin: germline.
Comment: This sequence change replaces asparagine with aspartic acid at codon 112 of the BRCA1 protein (p.Asn112Asp). The asparagine residue is moderately conserved and there is a small physicochemical difference between asparagine and aspartic acid. This variant is not present in population databases (ExAC no frequency). This variant has not been reported in the literature in individuals affected with BRCA1-related conditions. ClinVar contains an entry for this variant (Variation ID: 141794). Algorithms developed to predict the effect of missense changes on protein structure and function (SIFT, PolyPhen-2, Align-GVGD) all suggest that this variant is likely to be tolerated. In summary, the available evidence is currently insufficient to determine the role of this variant in disease. Therefore, it has been classified as a Variant of Uncertain Significance.

Color Diagnostics, LLC DBA Color Health
Classification: Uncertain significance for Hereditary cancer-predisposing syndrome. Last evaluated: 2019-11-12. Review status: criteria provided, single submitter. Criteria: ACMG Guidelines, 2015. Collection method: clinical testing. Allele origin: germline.
Comment: This missense variant replaces asparagine with aspartic acid at codon 112 of the BRCA1 protein. Computational prediction suggests that this variant may not impact protein structure and function (internally defined REVEL score threshold <= 0.5, PMID: 27666373). Splice site prediction tools suggest that this variant may not impact RNA splicing. To our knowledge, functional studies have not been performed for this variant. This variant has not been reported in individuals affected with hereditary cancer in the literature. This variant has not been identified in the general population by the Genome Aggregation Database (gnomAD). The available evidence is insufficient to determine the role of this variant in disease conclusively. Therefore, this variant is classified as a Variant of Uncertain Significance.

GeneDx
Classification: Uncertain significance. Last evaluated: 2019-05-20. Review status: criteria provided, single submitter. Criteria: GeneDx Variant Classification Process June 2021. Collection method: clinical testing. Allele origin: germline. Affected: yes.
Comment: Not observed at a significant frequency in large population cohorts (Lek et al., 2016); Has not been previously published as pathogenic or benign to our knowledge

NM_007294.4(BRCA1):c.334A>G (p.Asn112Asp)

Gene: BRCA1 (BRCA1 DNA repair associated; minus strand). Cytogenetic location: 17q21.31.
Variant type: single nucleotide variant.
Coding change: c.334A>G on transcript NM_007294.4 (MANE Select); coding-DNA position 334, A replaced by G.
Protein change: p.Asn112Asp; replaces asparagine 112 with aspartic acid.
Molecular consequence: missense variant. On other transcripts: non-coding transcript variant (1).
Genome position (GRCh38, 1-based): chr17:43,104,229, T>C on the plus strand (A>G on the coding strand, the complement: BRCA1 is on the minus strand). VCF-style: chr17-43104229-T-C. GRCh37 (hg19) VCF-style: chr17-41256246-T-C.
Other names: c.124A>G, p.Asn42Asp (NM_001407571.1, NM_001407853.1, NM_001407879.1 and 58 more transcripts); c.334A>G, p.Asn112Asp (NM_001407581.1, NM_001407582.1, NM_001407583.1 and 165 more transcripts); c.325A>G, p.Asn109Asp (NM_001407646.1, NM_001407647.1, NM_001408408.1); c.256A>G, p.Asn86Asp (NM_001407653.1, NM_001407654.1, NM_001407655.1 and 21 more transcripts); c.193A>G, p.Asn65Asp (NM_001407692.1, NM_001407694.1, NM_001407695.1 and 99 more transcripts); c.-48A>G (NM_001407959.1, NM_001407960.1, NM_001407962.1 and 4 more transcripts); c.202A>G, p.Asn68Asp (NM_001408451.1); short protein forms N112D, N65D, N42D, N109D, N68D, N86D.
Identifiers: ClinVar variation 141794 (VCV000141794.20), dbSNP rs587782017, ClinGen allele CA002170.
Genomic context (GRCh38, chr17:43,104,229, plus strand): 5'-TTCTGTAGCCCATACTTTGGATGATAGAAACTTCATCTTTTAGATGTTCAGGAGAGTTAT[T>C]TTCCTTTTTTGCAAAATTATAGCTGTTTGCATCTGTAAAATACAAGGGAAAACATTATGT-3'
Protein context (NP_009225.1, residues 102-122): ANSYNFAKKE[Asn112Asp]NSPEHLKDEV